The following is an entry in ClinVar:

ClinVar aggregate classification (germline): Uncertain significance. Review status: criteria provided, multiple submitters, no conflicts (2 of 4 stars). 2 submissions from 2 submitters: Uncertain significance (2). Last evaluated 2024-05-21.

Conditions:
Capillary malformation-arteriovenous malformation syndrome. Also called: Capillary malformation-arteriovenous malformation. Identifiers: Orphanet 137667, MedGen C1842180, MONDO:0012016.

Allele frequency attached by ClinVar (database versions not stated): gnomAD exomes below 0.00001.
gnomAD v4.1: 1 of 1,606,818 alleles (0.000062%); highest among the groups gnomAD compares: Non-Finnish European, 0.000085%; no homozygotes.

Submissions (2):

Labcorp Genetics (formerly Invitae), Labcorp
Classification: Uncertain significance for Capillary malformation-arteriovenous malformation syndrome. Last evaluated: 2024-05-21. Review status: criteria provided, single submitter. Criteria: Invitae Variant Classification Sherloc (09022015). Collection method: clinical testing. Allele origin: germline.
Comment: This sequence change falls in intron 3 of the RASA1 gene. It does not directly change the encoded amino acid sequence of the RASA1 protein. It affects a nucleotide within the consensus splice site. This variant is not present in population databases (gnomAD no frequency). This variant has not been reported in the literature in individuals affected with RASA1-related conditions. ClinVar contains an entry for this variant (Variation ID: 1318955). Variants that disrupt the consensus splice site are a relatively common cause of aberrant splicing (PMID: 17576681, 9536098). Algorithms developed to predict the effect of sequence changes on RNA splicing suggest that this variant may disrupt the consensus splice site. In summary, the available evidence is currently insufficient to determine the role of this variant in disease. Therefore, it has been classified as a Variant of Uncertain Significance.

GeneDx
Classification: Uncertain significance. Last evaluated: 2019-09-05. Review status: criteria provided, single submitter. Criteria: GeneDx Variant Classification Process June 2021. Collection method: clinical testing. Allele origin: germline. Affected: yes.
Comment: Not observed in large population cohorts (Lek et al., 2016); In silico analysis, which includes splice predictors and evolutionary conservation, supports a deleterious effect; Has not been previously published as pathogenic or benign to our knowledge

Literature cited by the submitters: PubMed 17576681 (cited by Labcorp Genetics (formerly Invitae), Labcorp); PubMed 9536098 (cited by Labcorp Genetics (formerly Invitae), Labcorp).

NM_002890.3(RASA1):c.828+5G>A

Genes: CCNH (cyclin H; minus strand), RASA1 (RAS p21 protein activator 1; plus strand). Cytogenetic location: 5q14.3.
Variant type: single nucleotide variant.
Coding change: c.828+5G>A on transcript NM_002890.3 (MANE Select); 5 bases into the intron after coding-DNA position 828, G replaced by A.
Molecular consequence: intron variant.
Genome position (GRCh38, 1-based): chr5:87,332,647, G>A. VCF-style: chr5-87332647-G-A. GRCh37 (hg19) VCF-style: chr5-86628464-G-A.
Other names: c.297+5G>A (NM_022650.3); c.934-19852C>T (NM_001364075.2).
Identifiers: ClinVar variation 1318955 (VCV001318955.6), dbSNP rs2112369561, ClinGen allele CA2573052537.